The following is an entry in ClinVar:

NM_016239.4(MYO15A):c.5360+13G>T

Gene: MYO15A (myosin XVA; plus strand). Cytogenetic location: 17p11.2.
Variant type: single nucleotide variant.
Coding change: c.5360+13G>T on transcript NM_016239.4 (MANE Select); 13 bases into the intron after coding-DNA position 5360, G replaced by T.
Molecular consequence: intron variant.
Genome position (GRCh38, 1-based): chr17:18,140,678, G>T. VCF-style: chr17-18140678-G-T. GRCh37 (hg19) VCF-style: chr17-18043992-G-T.
Identifiers: ClinVar variation 45749 (VCV000045749.11), dbSNP rs374693221, ClinGen allele CA136993.

ClinVar aggregate classification (germline): Likely benign. Review status: criteria provided, multiple submitters, no conflicts (2 of 4 stars). 3 submissions from 3 submitters: Likely benign (3). Last evaluated 2024-10-02.

Allele frequency attached by ClinVar (database versions not stated): gnomAD 0.00018 and 0.00019; TOPMed 0.00018; 1000 Genomes Project 30x 0.00031; 1000 Genomes Project 0.00040; ESP Exome Variant Server 0.00041.
gnomAD v4.1: 281 of 1,613,958 alleles (0.017%); highest among the groups gnomAD compares: Non-Finnish European, 0.022%; no homozygotes.

Submissions (3):

Blueprint Genetics
Classification: Likely benign. Last evaluated: 2024-10-02. Review status: criteria provided, single submitter. Criteria: ACMG Guidelines, 2015. Collection method: clinical testing. Allele origin: germline.

Labcorp Genetics (formerly Invitae), Labcorp
Classification: Likely benign. Last evaluated: 2024-03-10. Review status: criteria provided, single submitter. Criteria: Invitae Variant Classification Sherloc (09022015). Collection method: clinical testing. Allele origin: germline.

Laboratory for Molecular Medicine, Mass General Brigham Personalized Medicine
Classification: Likely benign. Last evaluated: 2012-04-30. Review status: criteria provided, single submitter. Criteria: LMM Criteria. Collection method: clinical testing. Allele origin: germline. Observed: 1 variant allele.
Comment: 5360+13G>T in Intron 20 of MYO15A: This variant is not expected to have clinical significance because it is not located within the conserved splice consensus se quence and has been identified in 3/6690 European American chromosomes from a br oad population by the NHLBI Exome Sequencing Project (du/EVS).